The following is an entry in ClinVar:

ClinVar aggregate classification (germline): Uncertain significance (1 of 4 stars; one submission).

Submission:

Labcorp Genetics (formerly Invitae), Labcorp
Classification: Uncertain significance. Last evaluated: 2025-03-05. Review status: criteria provided, single submitter. Criteria: Invitae Variant Classification Sherloc (09022015). Collection method: clinical testing. Allele origin: germline.
Comment: This sequence change creates a premature translational stop signal (p.Arg117Phefs*12) in the SLC25A32 gene. It is expected to result in an absent or disrupted protein product. However, the current clinical and genetic evidence is not sufficient to establish whether loss-of-function variants in SLC25A32 cause disease. This variant is not present in population databases (gnomAD no frequency). This variant has not been reported in the literature in individuals affected with SLC25A32-related conditions. In summary, the available evidence is currently insufficient to determine the role of this variant in disease. Therefore, it has been classified as a Variant of Uncertain Significance.

NM_030780.5(SLC25A32):c.348_349del (p.Arg117fs)

Gene: SLC25A32 (solute carrier family 25 member 32; minus strand). Cytogenetic location: 8q22.3.
Variant type: Deletion.
Coding change: c.348_349del on transcript NM_030780.5 (MANE Select); coding-DNA positions 348 to 349, 2 bases deleted (AC; older notation c.348_349delAC).
Protein change: p.Arg117fs; shifts the reading frame from arginine 117.
Molecular consequence: frameshift variant. On other transcripts: non-coding transcript variant (1).
Genome position (GRCh38, 1-based): chr8:103,404,818-103,404,819, GT deleted on the plus strand (AC on the coding strand, the reverse complement: SLC25A32 is on the minus strand). VCF-style (leftmost placement, unchanged base first): chr8-103404817-CGT-C. GRCh37 (hg19) VCF-style: chr8-104417045-CGT-C.
Other names: short protein forms R117fs.
Identifiers: ClinVar variation 4808077 (VCV004808077.1).